The following is an entry in ClinVar:

NM_000535.7(PMS2):c.1112A>T (p.Asn371Ile)

Gene: PMS2 (PMS1 homolog 2, mismatch repair system component; minus strand). Cytogenetic location: 7p22.1.
Variant type: single nucleotide variant.
Coding change: c.1112A>T on transcript NM_000535.7 (MANE Select); coding-DNA position 1112, A replaced by T.
Protein change: p.Asn371Ile; replaces asparagine 371 with isoleucine.
Molecular consequence: missense variant. On other transcripts: non-coding transcript variant (1), intron variant (2).
Genome position (GRCh38, 1-based): chr7:5,989,832, T>A on the plus strand (A>T on the coding strand, the complement: PMS2 is on the minus strand). VCF-style: chr7-5989832-T-A. GRCh37 (hg19) VCF-style: chr7-6029463-T-A.
Other names: c.707A>T, p.Asn236Ile (NM_001322009.2, NM_001322005.2, NM_001322003.2 and 1 more transcripts); c.179A>T, p.Asn60Ile (NM_001322011.2, NM_001322012.2); c.539A>T, p.Asn180Ile (NM_001322013.2); c.794A>T, p.Asn265Ile (NM_001322007.2, NM_001322008.2); c.1112A>T, p.Asn371Ile (NM_001322014.2); c.803A>T, p.Asn268Ile (NM_001322015.2); c.583+2141A>T (NM_001322010.2); c.988+2141A>T (NM_001322006.2); short protein forms N180I, N236I, N265I, N268I, N371I, N60I.
Identifiers: ClinVar variation 982599 (VCV000982599.2), dbSNP rs1783517960, ClinGen allele CA366742780.
Genomic context (GRCh38, chr7:5,989,832, plus strand): 5'-AGCTGTTTGTACACTGTATTTTTCTTACCTTCAACATCCAGCAGTGGCTGCTGACTGACA[T>A]TTAGCTTGTTGACATCACTATCAAACATTCCTATCAAAGAGGTCTTTAAAACTGCCAACA-3'
Protein context (NP_000526.2, residues 361-381): GMFDSDVNKL[Asn371Ile]VSQQPLLDVE

ClinVar aggregate classification (germline): Conflicting classifications of pathogenicity. Review status: criteria provided, conflicting classifications (1 of 4 stars). 2 submissions from 2 submitters: Likely pathogenic (1); Uncertain significance (1). Last evaluated 2024-08-23.

Conditions:
Lynch syndrome. Identifiers: Orphanet 144, MedGen C4552100, MONDO:0005835. Disease mechanism: loss of function.
Lynch syndrome 4 (LYNCH4). Also called: Colorectal cancer, hereditary nonpolyposis, type 4; Hereditary non-polyposis colorectal cancer, type 4. Identifiers: Orphanet 144, MedGen C1838333, MONDO:0013699, OMIM 614337. Disease mechanism: loss of function.

Submissions (2):

All of Us Research Program, National Institutes of Health
Classification: Uncertain significance for Lynch syndrome. Last evaluated: 2024-08-23. Review status: criteria provided, single submitter. Criteria: ACMG Guidelines, 2015. Collection method: clinical testing. Allele origin: germline. Inheritance: Autosomal dominant inheritance. Observed: 1 variant allele, 1 heterozygote.
Comment: This missense variant replaces asparagine with isoleucine at codon 371 of the PMS2 protein. Computational prediction suggests that this variant may not impact protein structure and function (internally defined REVEL score threshold <= 0.5, PMID: 27666373). To our knowledge, functional studies have not been reported for this variant. This variant has not been reported in individuals affected with PMS2-related disorders in the literature. This variant has not been identified in the general population by the Genome Aggregation Database (gnomAD). The available evidence is insufficient to determine the role of this variant in disease conclusively. Therefore, this variant is classified as a Variant of Uncertain Significance.

This study involves interpretation of variants in research participants for the purpose of population health screening. Participant phenotype was not available at the time of variant classification. Additional details can be found in publication PMID: 35346344, PMCID: PMC8962531

Institute of Human Genetics, University of Leipzig Medical Center
Classification: Likely pathogenic for Lynch syndrome 4. Last evaluated: 2019-01-01. Review status: criteria provided, single submitter. Criteria: ACMG Guidelines, 2015. Collection method: clinical testing. Allele origin: unknown. Affected: yes.